The following is an entry in ClinVar:

ClinVar aggregate classification (germline): Uncertain significance (1 of 4 stars; one submission).

Allele frequency attached by ClinVar (database versions not stated): gnomAD exomes 0.00009.

Submission:

Labcorp Genetics (formerly Invitae), Labcorp
Classification: Uncertain significance. Last evaluated: 2025-09-08. Review status: criteria provided, single submitter. Criteria: Invitae Variant Classification Sherloc (09022015). Collection method: clinical testing. Allele origin: germline.
Comment: This sequence change replaces proline, which is neutral and non-polar, with serine, which is neutral and polar, at codon 112 of the RAX2 protein (p.Pro112Ser). This variant is present in population databases (rs770022976, gnomAD 0.05%). This variant has not been reported in the literature in individuals affected with RAX2-related conditions. ClinVar contains an entry for this variant (Variation ID: 1437866). An algorithm developed to predict the effect of missense changes on protein structure and function (PolyPhen-2) suggests that this variant is likely to be disruptive. In summary, the available evidence is currently insufficient to determine the role of this variant in disease. Therefore, it has been classified as a Variant of Uncertain Significance.

NM_001319074.4(RAX2):c.334C>T (p.Pro112Ser)

Gene: RAX2 (retina and anterior neural fold homeobox 2; minus strand). Cytogenetic location: 19p13.3.
Variant type: single nucleotide variant.
Coding change: c.334C>T on transcript NM_001319074.4 (MANE Select); coding-DNA position 334, C replaced by T.
Protein change: p.Pro112Ser; replaces proline 112 with serine.
Molecular consequence: missense variant.
Genome position (GRCh38, 1-based): chr19:3,770,842, G>A on the plus strand (C>T on the coding strand, the complement: RAX2 is on the minus strand). VCF-style: chr19-3770842-G-A. GRCh37 (hg19) VCF-style: chr19-3770840-G-A.
Other names: c.334C>T, p.Pro112Ser (NM_032753.4); short protein forms P112S.
Identifiers: ClinVar variation 1437866 (VCV001437866.6), dbSNP rs770022976, ClinGen allele CA9085044.